The following is an entry in ClinVar:

ClinVar aggregate classification (germline): Likely benign (0 of 4 stars; one submission).

Conditions:
CELSR1-related disorder. Also called: CELSR1-related condition.

Allele frequency attached by ClinVar (database versions not stated): ExAC 0.00055; gnomAD 0.00133; ESP Exome Variant Server 0.00161; TOPMed 0.00168; 1000 Genomes Project 30x 0.00187; 1000 Genomes Project 0.00200.
gnomAD v4.1: 420 of 1,612,834 alleles (0.026%); highest among the groups gnomAD compares: African/African-American, 0.48%; no homozygotes.

Submission:

PreventionGenetics, part of Exact Sciences
Classification: Likely benign for CELSR1-related condition. Last evaluated: 2019-11-12. Review status: no assertion criteria provided. Collection method: clinical testing. Allele origin: germline.
Comment: This variant is classified as likely benign based on ACMG/AMP sequence variant interpretation guidelines (Richards et al. 2015 PMID: 25741868, with internal and published modifications).

NM_001378328.1(CELSR1):c.7183C>T (p.Leu2395=)

Gene: CELSR1 (cadherin EGF LAG seven-pass G-type receptor 1; minus strand). Cytogenetic location: 22q13.31.
Variant type: single nucleotide variant.
Coding change: c.7183C>T on transcript NM_001378328.1 (MANE Select); coding-DNA position 7183, C replaced by T.
Protein change: p.Leu2395=; no amino-acid change (leucine 2395 retained).
Molecular consequence: synonymous variant.
Genome position (GRCh38, 1-based): chr22:46,380,861, G>A on the plus strand (C>T on the coding strand, the complement: CELSR1 is on the minus strand). VCF-style: chr22-46380861-G-A. GRCh37 (hg19) VCF-style: chr22-46776758-G-A.
Other names: c.7183C>T, p.Leu2395= (NM_014246.4).
Identifiers: ClinVar variation 3046198 (VCV003046198.2), dbSNP rs142315389, ClinGen allele CA10293472.